The following is an entry in ClinVar:

ClinVar aggregate classification (germline): Uncertain significance (1 of 4 stars; one submission).

Conditions:
Hereditary cancer-predisposing syndrome. Also called: Neoplastic Syndromes, Hereditary; Tumor predisposition; Hereditary neoplastic syndrome; Hereditary Cancer Syndrome. Identifiers: Orphanet 140162, MedGen C0027672, MeSH D009386, MONDO:0015356.

Submission:

Ambry Genetics
Classification: Uncertain significance for Hereditary cancer-predisposing syndrome. Last evaluated: 2026-07-06. Review status: criteria provided, single submitter. Criteria: Ambry Variant Classification Scheme 2023. Collection method: clinical testing. Allele origin: germline.
Comment: The p.G224W variant (also known as c.670G>T), located in coding exon 6 of the NBN gene, results from a G to T substitution at nucleotide position 670. The glycine at codon 224 is replaced by tryptophan, an amino acid with highly dissimilar properties. This amino acid position is conserved. In addition, this alteration is predicted to be deleterious by in silico analysis. Based on the available evidence, the clinical significance of this variant remains unclear.

NM_002485.5(NBN):c.670G>T (p.Gly224Trp)

Gene: NBN (nibrin; minus strand). Cytogenetic location: 8q21.3.
Variant type: single nucleotide variant.
Coding change: c.670G>T on transcript NM_002485.5 (MANE Select); coding-DNA position 670, G replaced by T.
Protein change: p.Gly224Trp; replaces glycine 224 with tryptophan.
Molecular consequence: missense variant.
Genome position (GRCh38, 1-based): chr8:89,971,205, C>A on the plus strand (G>T on the coding strand, the complement: NBN is on the minus strand). VCF-style: chr8-89971205-C-A. GRCh37 (hg19) VCF-style: chr8-90983433-C-A.
Other names: c.424G>T, p.Gly142Trp (NM_001024688.3, NM_001440379.1, NM_001440380.1); short protein forms G142W, G224W.
Identifiers: ClinVar variation 5025363 (VCV005025363.1).
Genomic context (GRCh38, chr8:89,971,205, plus strand): 5'-AGGAAAATTTAGCTTATAACATAATTACCTGTTTGGCATTCAAAAATATAAATGTTTTCC[C>A]TTTGAAGATTTGTTTTCTTTCCTGCCGTCCTGACAGATCAACATTTTTACTTCCAATAGA-3'
Protein context (NP_002476.2, residues 214-234): GRQERKQIFK[Gly224Trp]KTFIFLNAKQ